The following is an entry in ClinVar:

ClinVar aggregate classification (germline): Uncertain significance (1 of 4 stars; one submission).

Conditions:
Inborn genetic diseases. Identifiers: MedGen C0950123, MeSH D030342.

Submission:

Ambry Genetics
Classification: Uncertain significance for Inborn genetic diseases. Last evaluated: 2026-07-14. Review status: criteria provided, single submitter. Criteria: Ambry Variant Classification Scheme 2023. Collection method: clinical testing. Allele origin: germline.
Comment: The p.E61A variant (also known as c.182A>C), located in coding exon 2 of the RTEL1 gene, results from an A to C substitution at nucleotide position 182. The glutamic acid at codon 61 is replaced by alanine, an amino acid with dissimilar properties. This amino acid position is conserved. In addition, the in silico prediction for this alteration is inconclusive. Based on the available evidence, the clinical significance of this variant remains unclear.

NM_001283009.2(RTEL1):c.182A>C (p.Glu61Ala)

Genes: RTEL1-TNFRSF6B (RTEL1-TNFRSF6B readthrough (NMD candidate); plus strand), RTEL1 (regulator of telomere elongation helicase 1; plus strand). Cytogenetic location: 20q13.33.
Variant type: single nucleotide variant.
Coding change: c.182A>C on transcript NM_001283009.2 (MANE Select); coding-DNA position 182, A replaced by C.
Protein change: p.Glu61Ala; replaces glutamic acid 61 with alanine.
Molecular consequence: missense variant. On other transcripts: non-coding transcript variant (1), 5 prime UTR variant (1).
Genome position (GRCh38, 1-based): chr20:63,661,377, A>C. VCF-style: chr20-63661377-A-C. GRCh37 (hg19) VCF-style: chr20-62292730-A-C.
Other names: c.-488A>C (NM_001283010.1); c.182A>C, p.Glu61Ala (NM_016434.4, NM_032957.5); short protein forms E61A.
Identifiers: ClinVar variation 5028481 (VCV005028481.1).
Genomic context (GRCh38, chr20:63,661,377, plus strand): 5'-AGAGCCCTACGGGTACAGGGAAGACGCTGTGCCTGCTGTGCACCACGCTGGCCTGGCGAG[A>C]ACACCTCCGAGACGGCATCTCTGCCCGCAAGATTGCCGAGAGGGCGCAAGGAGAGCTTTT-3'
Protein context (NP_001269938.1, residues 51-71): CLLCTTLAWR[Glu61Ala]HLRDGISARK